The following is an entry in ClinVar:

ClinVar aggregate classification (germline): Uncertain significance (1 of 4 stars; one submission).

Conditions:
Ullrich congenital muscular dystrophy 2 (UCMD2). Identifiers: Orphanet 75840, MedGen C4225314, MONDO:0014654, OMIM 616470.
Bethlem myopathy 2 (BTHLM2). Identifiers: Orphanet 536516, Orphanet 610, MedGen C4225313, MONDO:0034022, OMIM 616471.

Submission:

Labcorp Genetics (formerly Invitae), Labcorp
Classification: Uncertain significance for Bethlem myopathy 2; Ullrich congenital muscular dystrophy 2. Last evaluated: 2023-10-03. Review status: criteria provided, single submitter. Criteria: Invitae Variant Classification Sherloc (09022015). Collection method: clinical testing. Allele origin: germline.
Comment: This sequence change replaces valine, which is neutral and non-polar, with glycine, which is neutral and non-polar, at codon 296 of the COL12A1 protein (p.Val296Gly). This variant is not present in population databases (gnomAD no frequency). This variant has not been reported in the literature in individuals affected with COL12A1-related conditions. ClinVar contains an entry for this variant (Variation ID: 834601). Advanced modeling of protein sequence and biophysical properties (such as structural, functional, and spatial information, amino acid conservation, physicochemical variation, residue mobility, and thermodynamic stability) performed at Invitae indicates that this missense variant is expected to disrupt COL12A1 protein function. In summary, the available evidence is currently insufficient to determine the role of this variant in disease. Therefore, it has been classified as a Variant of Uncertain Significance.

NM_004370.6(COL12A1):c.887T>G (p.Val296Gly)

Gene: COL12A1 (collagen type XII alpha 1 chain; minus strand). Cytogenetic location: 6q13.
Variant type: single nucleotide variant.
Coding change: c.887T>G on transcript NM_004370.6 (MANE Select); coding-DNA position 887, T replaced by G.
Protein change: p.Val296Gly; replaces valine 296 with glycine.
Molecular consequence: missense variant. On other transcripts: intron variant (1).
Genome position (GRCh38, 1-based): chr6:75,188,472, A>C on the plus strand (T>G on the coding strand, the complement: COL12A1 is on the minus strand). VCF-style: chr6-75188472-A-C. GRCh37 (hg19) VCF-style: chr6-75898188-A-C.
Other names: c.73+14248T>G (NM_080645.3); short protein forms V296G.
Identifiers: ClinVar variation 834601 (VCV000834601.10), dbSNP rs1769748525, ClinGen allele CA364727625.
Genomic context (GRCh38, chr6:75,188,472, plus strand): 5'-ACCTGGGAGATGATCTCATTCTGAATATCCACAATTGCATCAAAGTTGGCCACATTGAAA[A>C]CATGGTTCAGTGAAGGTGTGGAGGCAATTTGTTTGAGTTCTTTTGCATCTGCAGCTTTAA-3'
Protein context (NP_004361.3, residues 286-306): QIASTPSLNH[Val296Gly]FNVANFDAIV